The following is an entry in ClinVar:

NM_000059.4(BRCA2):c.5879G>A (p.Cys1960Tyr)

Gene: BRCA2 (BRCA2 DNA repair associated; plus strand). Cytogenetic location: 13q13.1.
Variant type: single nucleotide variant.
Coding change: c.5879G>A on transcript NM_000059.4 (MANE Select); coding-DNA position 5879, G replaced by A.
Protein change: p.Cys1960Tyr; replaces cysteine 1960 with tyrosine.
Molecular consequence: missense variant.
Genome position (GRCh38, 1-based): chr13:32,340,234, G>A. VCF-style: chr13-32340234-G-A. GRCh37 (hg19) VCF-style: chr13-32914371-G-A.
Other names: p.C1960Y:TGT>TAT; NP_000050.3:p.Cys1960Tyr; 6107G>A; short protein forms C1960Y.
Identifiers: ClinVar variation 38003 (VCV000038003.46), dbSNP rs56157628, ClinGen allele CA023328.

ClinVar aggregate classification (germline): Benign/Likely benign. Review status: criteria provided, multiple submitters, no conflicts (2 of 4 stars). 15 submissions from 15 submitters: Benign (5); Likely benign (8). 2 of the submissions do not count toward it. Last evaluated 2026-02-22.

Conditions:
BRCA2-related cancer predisposition. Identifiers: MedGen CN377758, MONDO:0700269.
BRCA2-related disorder. Also called: BRCA2-related condition; BRCA2-related disorders. Identifiers: MedGen CN239275.
Hereditary cancer-predisposing syndrome. Also called: Hereditary neoplastic syndrome; Tumor predisposition; Hereditary Cancer Syndrome; Neoplastic Syndromes, Hereditary. Identifiers: Orphanet 140162, MedGen C0027672, MeSH D009386, MONDO:0015356.
Hereditary breast ovarian cancer syndrome. Also called: Breast and ovarian cancer; Hereditary breast and/or ovarian cancer syndrome; BRCA1- and BRCA2-Associated Hereditary Breast and Ovarian Cancer; Hereditary breast and ovarian cancer syndrome; Hereditary breast and ovarian cancer; Hereditary breast and ovarian cancer syndrome (HBOC). Identifiers: Orphanet 145, MedGen C0677776, MeSH D061325, MONDO:0003582. Disease mechanism: loss of function.
Breast-ovarian cancer, familial, susceptibility to, 2 (BROVCA2). Also called: BRCA2 Hereditary Breast and Ovarian Cancer. Identifiers: Orphanet 145, MedGen C2675520, MONDO:0012933, OMIM 612555. Disease mechanism: loss of function.

Allele frequency attached by ClinVar (database versions not stated): gnomAD exomes 0.00003 and 0.00010; ExAC 0.00014; TOPMed 0.00037; gnomAD 0.00042 and 0.00045; ESP Exome Variant Server 0.00046.
gnomAD v4.1: 101 of 1,613,870 alleles (0.0063%); highest among the groups gnomAD compares: African/African-American, 0.13%; no homozygotes.

Submissions (15):

PreventionGenetics, part of Exact Sciences
Classification: Likely benign for BRCA2-related condition. Last evaluated: 2026-02-22. Review status: criteria provided, single submitter. Criteria: ACMG Guidelines, 2015. Collection method: clinical testing. Allele origin: germline.
Comment: This variant is classified as likely benign based on ACMG/AMP sequence variant interpretation guidelines (Richards et al. 2015 PMID: 25741868, with internal and published modifications).

Labcorp Genetics (formerly Invitae), Labcorp
Classification: Benign for Hereditary breast ovarian cancer syndrome. Last evaluated: 2026-01-16. Review status: criteria provided, single submitter. Criteria: Invitae Variant Classification Sherloc (09022015). Collection method: clinical testing. Allele origin: germline.

Quest Diagnostics Nichols Institute San Juan Capistrano
Classification: Benign. Last evaluated: 2025-06-19. Review status: criteria provided, single submitter. Criteria: Quest Diagnostics criteria. Collection method: clinical testing. Allele origin: unknown.

Center for Genomic Medicine, Rigshospitalet, Copenhagen University Hospital
Classification: Benign. Last evaluated: 2025-03-04. Review status: criteria provided, single submitter. Criteria: ACMG Guidelines, 2015. Collection method: clinical testing. Allele origin: germline.

All of Us Research Program, National Institutes of Health
Classification: Likely benign for Breast-ovarian cancer, familial, susceptibility to, 2. Last evaluated: 2023-12-01. Review status: criteria provided, single submitter. Criteria: ACMG Guidelines, 2015. Collection method: clinical testing. Allele origin: germline. Inheritance: Autosomal dominant inheritance. Observed: 20 variant alleles, 20 heterozygotes.
Comment: This study involves interpretation of variants in research participants for the purpose of population health screening. Participant phenotype was not available at the time of variant classification. Additional details can be found in publication PMID: 35346344, PMCID: PMC8962531

National Health Laboratory Service, Universitas Academic Hospital and University of the Free State
Classification: Benign for Hereditary breast ovarian cancer syndrome. Last evaluated: 2022-04-19. Review status: criteria provided, single submitter. Criteria: ACMG Guidelines, 2015. Collection method: clinical testing. Allele origin: germline. Affected: yes. Observed: 2 variant alleles.

Sema4
Classification: Likely benign for Hereditary cancer-predisposing syndrome. Last evaluated: 2021-06-15. Review status: criteria provided, single submitter. Criteria: Sema4 Curation Guidelines. Collection method: curation. Allele origin: germline.

Department of Pathology and Laboratory Medicine, Sinai Health System
Classification: Likely benign for BRCA2-related cancer predisposition. Last evaluated: 2020-11-03. Review status: criteria provided, single submitter. Criteria: ACMG Guidelines, 2015. Collection method: clinical testing. Allele origin: germline. Affected: yes.

Ambry Genetics
Classification: Likely benign for Hereditary cancer-predisposing syndrome. Last evaluated: 2018-08-21. Review status: criteria provided, single submitter. Criteria: Ambry Variant Classification Scheme 2023. Collection method: clinical testing. Allele origin: germline.

GeneDx
Classification: Likely benign. Last evaluated: 2017-08-28. Review status: criteria provided, single submitter. Criteria: GeneDx Variant Classification (06012015). Collection method: clinical testing. Allele origin: germline. Affected: yes.
Comment: This variant is considered likely benign or benign based on one or more of the following criteria: it is a conservative change, it occurs at a poorly conserved position in the protein, it is predicted to be benign by multiple in silico algorithms, and/or has population frequency not consistent with disease.

Women's Health and Genetics/Laboratory Corporation of America, LabCorp
Classification: Benign. Last evaluated: 2017-03-07. Review status: criteria provided, single submitter. Criteria: LabCorp Variant Classification Summary - May 2015. Collection method: clinical testing. Allele origin: germline.
Comment: Variant summary: The BRCA2 c.5879G>A (p.Cys1960Tyr) variant involves the alteration of a non-conserved nucleotide. The variant is located outside of any know functional domain or repeat and 3/5 in silico tools predict a benign outcome for this variant. This variant was found in 17/120980 control chromosomes of ExAC, predominantly observed in the African subpopulation at a frequency of 0.001587 (16/10082). This frequency is about 2 times the estimated maximal expected allele frequency of a pathogenic BRCA2 variant (0.0007503), suggesting this is likely a benign polymorphism found primarily in the populations of African origin. The variant is present in a control population dataset of gnomAD at a frequency of 0.0001372 (38/277020 chrs), mainly in individuals of African origin: 0.0015 (36/24015 chrs, including 7 homozygotes). This data support the speculation that the variant of interest may be an ethnic-specific functional polymorphism. The variant has been reported in affected individuals via publications with limited information (no co-occurrence or co-segregation information provided). In addition, multiple clinical diagnostic laboratories/reputable databases classified this variant as benign/likely benign. Furthermore, ClinVar - SCRP (RCV000031584.4) cites the variant to co-occur with pathogenic BRCA1 variants, 3555del4 and IVS23+1G>A. In addition, the variant was identified to co-occure with a known pathogenic variant in BRCA1 c.4357+1G>A/IVS12+1G>T, further supporting the non-pathogenic role of c.58769G>A variant. Taken together, this variant is classified as benign.

ARUP Laboratories, Molecular Genetics and Genomics, ARUP Laboratories
Classification: Likely benign. Last evaluated: 2016-09-01. Review status: criteria provided, single submitter. Criteria: ARUP Molecular Germline Variant Investigation Process. Collection method: clinical testing. Allele origin: germline.

Color Diagnostics, LLC DBA Color Health
Classification: Likely benign for Hereditary cancer-predisposing syndrome. Last evaluated: 2015-10-26. Review status: criteria provided, single submitter. Criteria: ACMG Guidelines, 2015. Collection method: clinical testing. Allele origin: germline.

Sharing Clinical Reports Project (SCRP)
Classification: Benign for Breast-ovarian cancer, familial 2. Last evaluated: 2012-05-01. Review status: no assertion criteria provided. Collection method: clinical testing. Allele origin: germline. Not counted in ClinVar's aggregate classification.

Breast Cancer Information Core (BIC) (BRCA2)
Classification: Uncertain significance for Breast-ovarian cancer, familial 2. Last evaluated: 2004-02-20. Review status: no assertion criteria provided. Collection method: clinical testing. Allele origin: germline. Affected: yes. Observed: 4 variant alleles. Not counted in ClinVar's aggregate classification.

Literature cited by the submitters: PubMed 18703817 (cited by 3 submitters); PubMed 21520273 (cited by Quest Diagnostics Nichols Institute San Juan Capistrano and Women's Health and Genetics/Laboratory Corporation of America, LabCorp); PubMed 26580448 (cited by Quest Diagnostics Nichols Institute San Juan Capistrano and Sema4); PubMed 31131967 (cited by Quest Diagnostics Nichols Institute San Juan Capistrano); PubMed 18284688 (cited by 4 submitters); PubMed 20104584 (cited by 4 submitters); PubMed 22034289 (cited by 4 submitters); DOI 10.3389/fgene.2022.834265 (cited by National Health Laboratory Service, Universitas Academic Hospital and University of the Free State).